The following is an entry in ClinVar:

ClinVar aggregate classification (germline): Pathogenic. Review status: criteria provided, single submitter (1 of 4 stars). 2 submissions from 2 submitters: Pathogenic (1). 1 of the submissions does not count toward it. Last evaluated 2023-05-08.

Conditions:
Familial adenomatous polyposis 1 (FAP1). Also called: FAMILIAL ADENOMATOUS POLYPOSIS 1, ATTENUATED; POLYPOSIS, ADENOMATOUS INTESTINAL. Identifiers: MedGen C2713442, MONDO:0021056, OMIM 175100. Disease mechanism: loss of function.

Submissions (2):

Myriad Genetics, Inc.
Classification: Pathogenic for Familial adenomatous polyposis 1. Last evaluated: 2023-05-08. Review status: criteria provided, single submitter. Criteria: Myriad Autosomal Dominant, Autosomal Recessive and X-Linked Classification Criteria (2023). Collection method: clinical testing. Allele origin: unknown.
Comment: This variant is considered pathogenic. This variant creates a frameshift predicted to result in premature protein truncation.

Mayo Clinic Laboratories, Mayo Clinic
Classification: Likely pathogenic. Review status: no assertion criteria provided. Collection method: research. Allele origin: unknown. Observed: 2 variant alleles. Not counted in ClinVar's aggregate classification.

NM_000038.6(APC):c.3304_3307del (p.Tyr1102fs)

Gene: APC (APC regulator of Wnt signaling pathway; plus strand). Cytogenetic location: 5q22.2.
Variant type: Deletion.
Coding change: c.3304_3307del on transcript NM_000038.6 (MANE Select); coding-DNA positions 3304 to 3307, 4 bases deleted (TACA; older notation c.3304_3307delTACA).
Protein change: p.Tyr1102fs; shifts the reading frame from tyrosine 1102.
Molecular consequence: frameshift variant.
Genome position (GRCh38, 1-based): chr5:112,838,898-112,838,901, TACA deleted; deleting any 4 consecutive bases within chr5:112,838,896-112,838,901 gives the same sequence; the c. name uses the placement nearest the transcript's 3' end. VCF-style (leftmost placement, unchanged base first): chr5-112838895-CCATA-C. GRCh37 (hg19) VCF-style: chr5-112174592-CCATA-C.
Other names: c.3304_3307del, p.Tyr1102fs (NM_001127510.3, NM_001354895.2); c.3250_3253del, p.Tyr1084fs (NM_001127511.3); c.3358_3361del, p.Tyr1120fs (NM_001354896.2); c.3334_3337del, p.Tyr1112fs (NM_001354897.2); c.3229_3232del, p.Tyr1077fs (NM_001354898.2); c.3220_3223del, p.Tyr1074fs (NM_001354899.2); c.3181_3184del, p.Tyr1061fs (NM_001354900.2); c.3127_3130del, p.Tyr1043fs (NM_001354901.2); and 5 more; short protein forms Y1061fs, Y1084fs, Y1102fs, Y976fs, Y1074fs, Y1001fs, Y1077fs, Y942fs.
Identifiers: ClinVar variation 217966 (VCV000217966.7), dbSNP rs863225342, ClinGen allele CA279671.
Genomic context (GRCh38, chr5:112,838,895, plus strand): 5'-AGCACTGATGATAAACACCTCAAGTTCCAACCACATTTTGGACAGCAGGAATGTGTTTCT[CCATA>C]CAGGTCACGGGGAGCCAATGGTTCAGAAACAAATCGAGTGGGTTCTAATCATGGAATTAA-3'